The following is an entry in ClinVar:

ClinVar aggregate classification (germline): Pathogenic (1 of 4 stars; one submission).

Conditions:
Hereditary breast ovarian cancer syndrome. Also called: Hereditary breast and ovarian cancer; Hereditary breast and/or ovarian cancer syndrome; Hereditary breast and ovarian cancer syndrome (HBOC); Breast and ovarian cancer; Hereditary breast and ovarian cancer syndrome; BRCA1- and BRCA2-Associated Hereditary Breast and Ovarian Cancer. Identifiers: Orphanet 145, MedGen C0677776, MeSH D061325, MONDO:0003582. Disease mechanism: loss of function.

Submission:

Women's Health and Genetics/Laboratory Corporation of America, LabCorp
Classification: Pathogenic for Hereditary breast ovarian cancer syndrome. Last evaluated: 2021-04-18. Review status: criteria provided, single submitter. Criteria: LabCorp Variant Classification Summary - May 2015. Collection method: clinical testing. Allele origin: germline.
Comment: Variant summary: BRCA1 c.4253delT (p.Leu1418X) results in a premature termination codon, predicted to cause a truncation of the encoded protein or absence of the protein due to nonsense mediated decay, which are commonly known mechanisms for disease. Truncations downstream of this position have been classified as pathogenic by our laboratory. The variant was absent in 251432 control chromosomes. c.4253delT has been reported in the literature predominantly in individuals of Korean ancestry affected with Hereditary Breast And Ovarian Cancer Syndrome (example, Kang_2015, Hoon Kim_2018, Park_2018, Kim_2019, Ryu_2019). These data indicate that the variant is likely to be associated with disease. To our knowledge, no experimental evidence demonstrating an impact on protein function has been reported. No clinical diagnostic laboratories have submitted clinical-significance assessments for this variant to ClinVar after 2014. Based on the evidence outlined above, the variant was classified as pathogenic.

Literature cited by the submitters: PubMed 25863477; PubMed 29673794; PubMed 30350268; PubMed 30207098; PubMed 31064392.

NM_007294.4(BRCA1):c.4253del (p.Val1417_Leu1418insTer)

Gene: BRCA1 (BRCA1 DNA repair associated; minus strand). Cytogenetic location: 17q21.31.
Variant type: Deletion.
Coding change: c.4253del on transcript NM_007294.4 (MANE Select); coding-DNA position 4253, one base deleted (T; older notation c.4253delT).
Protein change: p.Val1417_Leu1418insTer.
Molecular consequence: nonsense. On other transcripts: frameshift variant (366), non-coding transcript variant (1).
Genome position (GRCh38, 1-based): chr17:43,082,508, A deleted on the plus strand (T on the coding strand, the reverse complement: BRCA1 is on the minus strand); the first of 2 consecutive A bases (chr17:43,082,508-43,082,509); deleting either gives the same sequence. VCF-style (leftmost placement, unchanged base first): chr17-43082507-TA-T. GRCh37 (hg19) VCF-style: chr17-41234524-TA-T.
Other names: c.733delT, p.Leu245Terfs (NM_001408483.1, NM_001408484.1, NM_001408485.1 and 6 more transcripts); c.730delT, p.Leu244Terfs (NM_001408489.1, NM_001408490.1, NM_001408491.1 and 3 more transcripts); c.703delT, p.Leu235Terfs (NM_001408494.1); c.700delT, p.Leu234Terfs (NM_001408495.1); c.679delT, p.Leu227Terfs (NM_001408496.1, NM_001408497.1, NM_001408498.1 and 3 more transcripts); c.610delT, p.Leu204Terfs (NM_001408502.1); c.676delT, p.Leu226Terfs (NM_001408503.1, NM_001408504.1, NM_001408505.1); c.616delT, p.Leu206Terfs (NM_001408506.1); and 55 more.
Identifiers: ClinVar variation 1098805 (VCV001098805.3), dbSNP rs2154155295, ClinGen allele CA2499224426.